The following is an entry in ClinVar:

ClinVar aggregate classification (germline): Conflicting classifications of pathogenicity. Review status: criteria provided, conflicting classifications (1 of 4 stars). 4 submissions from 4 submitters: Uncertain significance (3); Likely benign (1). Last evaluated 2025-10-23.

Conditions:
Cardiovascular phenotype. Identifiers: MedGen CN230736.
Arrhythmogenic cardiomyopathy with wooly hair and keratoderma. Also called: Arrhythmogenic cardiomyopathy with woolly hair and keratoderma; Carvajal syndrome; PALMOPLANTAR KERATODERMA WITH LEFT VENTRICULAR CARDIOMYOPATHY AND WOOLLY HAIR; Dilated cardiomyopathy with woolly hair and keratoderma. Identifiers: Orphanet 65282, MedGen C1854063, MONDO:0011581, OMIM 605676.
Arrhythmogenic right ventricular dysplasia 8 (ARVD8). Also called: Arrhythmogenic Right Ventricular Dysplasia/Cardiomyopathy 8; ARRHYTHMOGENIC RIGHT VENTRICULAR DYSPLASIA, FAMILIAL, 8; ARRHYTHMOGENIC RIGHT VENTRICULAR CARDIOMYOPATHY 8. Identifiers: MedGen C1843896, MONDO:0011831, OMIM 607450.
Cardiomyopathy (CMYO). Also called: Cardiomyopathies. Identifiers: Orphanet 167848, MedGen C0878544, MONDO:0004994, HP:0001638. Inheritance: Various modes of inheritance.

Allele frequency attached by ClinVar (database versions not stated): TOPMed below 0.00001; gnomAD exomes 0.00001 and 0.00002; ExAC 0.00002.
gnomAD v4.1: 9 of 1,614,186 alleles (0.00056%); highest among the groups gnomAD compares: Non-Finnish European, 0.00076%; no homozygotes.

Submissions (4):

Ambry Genetics
Classification: Uncertain significance for Cardiovascular phenotype. Last evaluated: 2025-10-23. Review status: criteria provided, single submitter. Criteria: Ambry Variant Classification Scheme 2023. Collection method: clinical testing. Allele origin: germline.
Comment: The p.L1664R variant (also known as c.4991T>G), located in coding exon 23 of the DSP gene, results from a T to G substitution at nucleotide position 4991. The leucine at codon 1664 is replaced by arginine, an amino acid with dissimilar properties. This amino acid position is conserved. In addition, the in silico prediction for this alteration is inconclusive. Since supporting evidence is limited at this time, the clinical significance of this alteration remains unclear.

Color Diagnostics, LLC DBA Color Health
Classification: Uncertain significance for Cardiomyopathy. Last evaluated: 2025-03-24. Review status: criteria provided, single submitter. Criteria: ACMG Guidelines, 2015. Collection method: clinical testing. Allele origin: germline.
Comment: This missense variant replaces leucine with arginine at codon 1664 of the DSP protein. Computational prediction is inconclusive regarding the impact of this variant on protein structure and function. To our knowledge, functional studies have not been reported for this variant. This variant has been reported in an individual affected with arrhythmia and cardiomyopathy (PMID: 33029862). This variant has been identified in 5/250700 chromosomes in the general population by the Genome Aggregation Database (gnomAD). The available evidence is insufficient to determine the role of this variant in disease conclusively. Therefore, this variant is classified as a Variant of Uncertain Significance.

All of Us Research Program, National Institutes of Health
Classification: Uncertain significance for Arrhythmogenic cardiomyopathy with wooly hair and keratoderma. Last evaluated: 2023-10-30. Review status: criteria provided, single submitter. Criteria: ACMG Guidelines, 2015. Collection method: clinical testing. Allele origin: germline. Inheritance: Autosomal dominant inheritance. Observed: 2 variant alleles, 2 heterozygotes.
Comment: This missense variant replaces leucine with arginine at codon 1664 of the DSP protein. Computational prediction is inconclusive regarding the impact of this variant on protein structure and function (internally defined REVEL score threshold 0.5 < inconclusive < 0.7, PMID: 27666373). To our knowledge, functional studies have not been reported for this variant. This variant has been reported in an individual affected with arrhythmia and cardiomyopathy (PMID: 33029862). This variant has been identified in 5/250700 chromosomes in the general population by the Genome Aggregation Database (gnomAD). The available evidence is insufficient to determine the role of this variant in disease conclusively. Therefore, this variant is classified as a Variant of Uncertain Significance.

This study involves interpretation of variants in research participants for the purpose of population health screening. Participant phenotype was not available at the time of variant classification. Additional details can be found in publication PMID: 35346344, PMCID: PMC8962531

Labcorp Genetics (formerly Invitae), Labcorp
Classification: Likely benign for Arrhythmogenic cardiomyopathy with wooly hair and keratoderma; Arrhythmogenic right ventricular dysplasia 8. Last evaluated: 2022-12-06. Review status: criteria provided, single submitter. Criteria: Invitae Variant Classification Sherloc (09022015). Collection method: clinical testing. Allele origin: germline.

Literature cited by the submitters: PubMed 33029862 (cited by Color Diagnostics, LLC DBA Color Health and All of Us Research Program, National Institutes of Health).

NM_004415.4(DSP):c.4991T>G (p.Leu1664Arg)

Gene: DSP (desmoplakin; plus strand). Cytogenetic location: 6p24.3.
Variant type: single nucleotide variant.
Coding change: c.4991T>G on transcript NM_004415.4 (MANE Select); coding-DNA position 4991, T replaced by G.
Protein change: p.Leu1664Arg; replaces leucine 1664 with arginine.
Molecular consequence: missense variant. On other transcripts: intron variant (2).
Genome position (GRCh38, 1-based): chr6:7,581,181, T>G. VCF-style: chr6-7581181-T-G. GRCh37 (hg19) VCF-style: chr6-7581414-T-G.
Other names: c.4050+941T>G (NM_001319034.2); c.3582+1409T>G (NM_001008844.3); short protein forms L1664R.
Identifiers: ClinVar variation 1347473 (VCV001347473.13), dbSNP rs746139953, ClinGen allele CA043528.